The following is an entry in ClinVar:

NM_000388.4(CASR):c.2993T>A (p.Leu998Gln)

Gene: CASR (calcium sensing receptor; plus strand). Cytogenetic location: 3q21.1.
Variant type: single nucleotide variant.
Coding change: c.2993T>A on transcript NM_000388.4 (MANE Select); coding-DNA position 2993, T replaced by A.
Protein change: p.Leu998Gln; replaces leucine 998 with glutamine.
Molecular consequence: missense variant.
Genome position (GRCh38, 1-based): chr3:122,284,947, T>A. VCF-style: chr3-122284947-T-A. GRCh37 (hg19) VCF-style: chr3-122003794-T-A.
Other names: c.3023T>A, p.Leu1008Gln (NM_001178065.2); short protein forms L998Q, L1008Q.
Identifiers: ClinVar variation 2923540 (VCV002923540.3), dbSNP rs2473283160, ClinGen allele CA354161221.

ClinVar aggregate classification (germline): Uncertain significance (1 of 4 stars; one submission).

Conditions:
Autosomal dominant hypocalcemia 1 (HYPOC1). Also called: HYPOCALCEMIA, FAMILIAL. Identifiers: MedGen C3715128, MONDO:0011013, OMIM 601198.
Familial hypocalciuric hypercalcemia (FHH). Also called: Familial benign hypercalcemia. Identifiers: Orphanet 405, MedGen C1809471, MONDO:0018458.

Submission:

Labcorp Genetics (formerly Invitae), Labcorp
Classification: Uncertain significance for Familial hypocalciuric hypercalcemia; Autosomal dominant hypocalcemia 1. Last evaluated: 2023-10-14. Review status: criteria provided, single submitter. Criteria: Invitae Variant Classification Sherloc (09022015). Collection method: clinical testing. Allele origin: germline.
Comment: This sequence change replaces leucine, which is neutral and non-polar, with glutamine, which is neutral and polar, at codon 998 of the CASR protein (p.Leu998Gln). This variant is not present in population databases (gnomAD no frequency). This variant has not been reported in the literature in individuals affected with CASR-related conditions. An algorithm developed to predict the effect of missense changes on protein structure and function (PolyPhen-2) suggests that this variant is likely to be tolerated. In summary, the available evidence is currently insufficient to determine the role of this variant in disease. Therefore, it has been classified as a Variant of Uncertain Significance.